The following is an entry in ClinVar:

ClinVar aggregate classification (germline): Uncertain significance (1 of 4 stars; one submission).

gnomAD v4.1: 4 of 1,579,334 alleles (0.00025%); highest among the groups gnomAD compares: Non-Finnish European, 0.00035%; no homozygotes.

Submission:

CeGaT Center for Human Genetics Tuebingen
Classification: Uncertain significance. Last evaluated: 2025-03-01. Review status: criteria provided, single submitter. Criteria: CeGaT Center For Human Genetics Tuebingen Variant Classification Criteria Version 2. Collection method: clinical testing. Allele origin: germline. Affected: yes. Observed: 1 variant allele.
Comment: LAMA2: PM2, BP4

NM_000426.4(LAMA2):c.285G>C (p.Gln95His)

Gene: LAMA2 (laminin subunit alpha 2; plus strand). Cytogenetic location: 6q22.33.
Variant type: single nucleotide variant.
Coding change: c.285G>C on transcript NM_000426.4 (MANE Select); coding-DNA position 285, G replaced by C.
Protein change: p.Gln95His; replaces glutamine 95 with histidine.
Molecular consequence: missense variant.
Genome position (GRCh38, 1-based): chr6:129,059,785, G>C. VCF-style: chr6-129059785-G-C. GRCh37 (hg19) VCF-style: chr6-129380930-G-C.
Other names: c.285G>C, p.Gln95His (NM_001079823.2); short protein forms Q95H.
Identifiers: ClinVar variation 3778535 (VCV003778535.7).
Genomic context (GRCh38, chr6:129,059,785, plus strand): 5'-TATAAACTAGTTATATGATCTTTTCTTCTTCCTTTCATATGATGCTGCTAACTCAATAGA[G>C]AGACACCCGATTACAAATGCTATTGATGGAAAGAACACTTGGTGGCAGAGTCCCAGTATT-3'
Protein context (NP_000417.3, residues 85-105): ICNQNSSNPN[Gln95His]RHPITNAIDG